The following is an entry in ClinVar:

NM_001060.6(TBXA2R):c.49A>G (p.Ile17Val)

Gene: TBXA2R (thromboxane A2 receptor; minus strand). Cytogenetic location: 19p13.3.
Variant type: single nucleotide variant.
Coding change: c.49A>G on transcript NM_001060.6 (MANE Select); coding-DNA position 49, A replaced by G.
Protein change: p.Ile17Val; replaces isoleucine 17 with valine.
Molecular consequence: missense variant.
Genome position (GRCh38, 1-based): chr19:3,600,586, T>C on the plus strand (A>G on the coding strand, the complement: TBXA2R is on the minus strand). VCF-style: chr19-3600586-T-C. GRCh37 (hg19) VCF-style: chr19-3600584-T-C.
Other names: c.49A>G, p.Ile17Val (NM_201636.3); short protein forms I17V.
Identifiers: ClinVar variation 4727548 (VCV004727548.1).

ClinVar aggregate classification (germline): Uncertain significance (1 of 4 stars; one submission).

Submission:

Labcorp Genetics (formerly Invitae), Labcorp
Classification: Uncertain significance. Last evaluated: 2025-11-25. Review status: criteria provided, single submitter. Criteria: Invitae Variant Classification Sherloc (09022015). Collection method: clinical testing. Allele origin: germline.
Comment: This sequence change replaces isoleucine, which is neutral and non-polar, with valine, which is neutral and non-polar, at codon 17 of the TBXA2R protein (p.Ile17Val). This variant is not present in population databases (gnomAD no frequency). This variant has not been reported in the literature in individuals affected with TBXA2R-related conditions. An algorithm developed to predict the effect of missense changes on protein structure and function (PolyPhen-2) suggests that this variant is likely to be tolerated. In summary, the available evidence is currently insufficient to determine the role of this variant in disease. Therefore, it has been classified as a Variant of Uncertain Significance.